The following is an entry in ClinVar:

ClinVar aggregate classification (germline): Uncertain significance. Review status: criteria provided, multiple submitters, no conflicts (2 of 4 stars). 4 submissions from 4 submitters: Uncertain significance (4). Last evaluated 2026-06-29.

Conditions:
IFT172-related disorder. Also called: IFT172-related condition; IFT172-related disorders.
Retinitis pigmentosa 71 (RP71). Identifiers: Orphanet 791, MedGen C4225342, MONDO:0014618, OMIM 616394.
Short-rib thoracic dysplasia 10 with or without polydactyly (SRTD10). Identifiers: Orphanet 474, MedGen C3810175, MONDO:0014284, OMIM 615630.
Inborn genetic diseases. Identifiers: MedGen C0950123, MeSH D030342.

Allele frequency attached by ClinVar (database versions not stated): TOPMed 0.00002; ExAC 0.00003; ESP Exome Variant Server 0.00008.
gnomAD v4.1: 35 of 1,614,030 alleles (0.0022%); highest among the groups gnomAD compares: South Asian, 0.0033%; no homozygotes.

Submissions (4):

PreventionGenetics, part of Exact Sciences
Classification: Uncertain significance for IFT172-related condition. Last evaluated: 2026-06-29. Review status: criteria provided, single submitter. Criteria: ACMG Guidelines, 2015. Collection method: clinical testing. Allele origin: germline.
Comment: The IFT172 c.1460G>A variant is predicted to result in the amino acid substitution p.Arg487His. To our knowledge, this variant has not been reported in the literature. This variant is reported in 0.0065% of alleles in individuals of South Asian descent in gnomAD. At this time, the clinical significance of this variant is uncertain.

Ambry Genetics
Classification: Uncertain significance for Inborn genetic diseases. Last evaluated: 2025-09-01. Review status: criteria provided, single submitter. Criteria: Ambry Variant Classification Scheme 2023. Collection method: clinical testing. Allele origin: germline.

Labcorp Genetics (formerly Invitae), Labcorp
Classification: Uncertain significance for Retinitis pigmentosa 71; Short-rib thoracic dysplasia 10 with or without polydactyly. Last evaluated: 2025-05-19. Review status: criteria provided, single submitter. Criteria: Invitae Variant Classification Sherloc (09022015). Collection method: clinical testing. Allele origin: germline.
Comment: This sequence change replaces arginine, which is basic and polar, with histidine, which is basic and polar, at codon 487 of the IFT172 protein (p.Arg487His). This variant is present in population databases (rs368967337, gnomAD 0.006%). This variant has not been reported in the literature in individuals affected with IFT172-related conditions. ClinVar contains an entry for this variant (Variation ID: 858505). Invitae Evidence Modeling of protein sequence and biophysical properties (such as structural, functional, and spatial information, amino acid conservation, physicochemical variation, residue mobility, and thermodynamic stability) indicates that this missense variant is not expected to disrupt IFT172 protein function with a negative predictive value of 95%. In summary, the available evidence is currently insufficient to determine the role of this variant in disease. Therefore, it has been classified as a Variant of Uncertain Significance.

Blueprint Genetics
Classification: Uncertain significance. Last evaluated: 2023-09-04. Review status: criteria provided, single submitter. Criteria: ACMG Guidelines, 2015. Collection method: clinical testing. Allele origin: germline.

NM_015662.3(IFT172):c.1460G>A (p.Arg487His)

Gene: IFT172 (intraflagellar transport 172; minus strand). Cytogenetic location: 2p23.3.
Variant type: single nucleotide variant.
Coding change: c.1460G>A on transcript NM_015662.3 (MANE Select); coding-DNA position 1460, G replaced by A.
Protein change: p.Arg487His; replaces arginine 487 with histidine.
Molecular consequence: missense variant.
Genome position (GRCh38, 1-based): chr2:27,472,314, C>T on the plus strand (G>A on the coding strand, the complement: IFT172 is on the minus strand). VCF-style: chr2-27472314-C-T. GRCh37 (hg19) VCF-style: chr2-27695181-C-T.
Other names: c.1460G>A (NM_015662.1); short protein forms R487H.
Identifiers: ClinVar variation 858505 (VCV000858505.12), dbSNP rs368967337, ClinGen allele CA1580640.